The following is an entry in ClinVar:

ClinVar aggregate classification (germline): Uncertain significance. Review status: criteria provided, multiple submitters, no conflicts (2 of 4 stars). 3 submissions from 3 submitters: Uncertain significance (3). Last evaluated 2025-02-12.

Conditions:
B-cell immunodeficiency, distal limb anomalies, and urogenital malformations. Also called: BILU SYNDROME; HOFFMAN SYNDROME. Identifiers: Orphanet 567502, MedGen C1836437, MONDO:0012243, OMIM 609296.

Submissions (3):

Ambry Genetics
Classification: Uncertain significance. Last evaluated: 2025-02-12. Review status: criteria provided, single submitter. Criteria: Ambry Variant Classification Scheme 2023. Collection method: clinical testing. Allele origin: germline.

Labcorp Genetics (formerly Invitae), Labcorp
Classification: Uncertain significance. Last evaluated: 2024-05-09. Review status: criteria provided, single submitter. Criteria: Invitae Variant Classification Sherloc (09022015). Collection method: clinical testing. Allele origin: germline.
Comment: This sequence change replaces glutamic acid, which is acidic and polar, with glutamine, which is neutral and polar, at codon 542 of the TOP2B protein (p.Glu542Gln). This variant is not present in population databases (gnomAD no frequency). This variant has not been reported in the literature in individuals affected with TOP2B-related conditions. An algorithm developed to predict the effect of missense changes on protein structure and function (PolyPhen-2) suggests that this variant is likely to be tolerated. In summary, the available evidence is currently insufficient to determine the role of this variant in disease. Therefore, it has been classified as a Variant of Uncertain Significance.

Genomic Medicine Center of Excellence, King Faisal Specialist Hospital and Research Centre
Classification: Uncertain significance for B-cell immunodeficiency, distal limb anomalies, and urogenital malformations. Last evaluated: 2024-04-04. Review status: criteria provided, single submitter. Criteria: ACMG Guidelines, 2015. Collection method: clinical testing. Allele origin: germline.

NM_001330700.2(TOP2B):c.1639G>C (p.Glu547Gln)

Gene: TOP2B (DNA topoisomerase II beta; minus strand). Cytogenetic location: 3p24.2.
Variant type: single nucleotide variant.
Coding change: c.1639G>C on transcript NM_001330700.2 (MANE Select); coding-DNA position 1639, G replaced by C.
Protein change: p.Glu547Gln; replaces glutamic acid 547 with glutamine.
Molecular consequence: missense variant.
Genome position (GRCh38, 1-based): chr3:25,630,079, C>G on the plus strand (G>C on the coding strand, the complement: TOP2B is on the minus strand). VCF-style: chr3-25630079-C-G. GRCh37 (hg19) VCF-style: chr3-25671570-C-G.
Other names: c.1624G>C (NM_001068.2); c.1624G>C, p.Glu542Gln (NM_001068.3); short protein forms E542Q, E547Q.
Identifiers: ClinVar variation 3068041 (VCV003068041.4), dbSNP rs1271271402, ClinGen allele CA351908443.